The following is an entry in ClinVar:

NM_006767.4(LZTR1):c.612_613del (p.Ile205fs)

Gene: LZTR1 (leucine zipper like post translational regulator 1; plus strand). Cytogenetic location: 22q11.21.
Variant type: Deletion.
Coding change: c.612_613del on transcript NM_006767.4 (MANE Select); coding-DNA positions 612 to 613, 2 bases deleted (AA; older notation c.612_613delAA).
Protein change: p.Ile205fs; shifts the reading frame from isoleucine 205.
Molecular consequence: frameshift variant.
Genome position (GRCh38, 1-based): chr22:20,989,643-20,989,644, AA deleted. VCF-style (leftmost placement, unchanged base first): chr22-20989642-CAA-C. GRCh37 (hg19) VCF-style: chr22-21343931-CAA-C.
Other names: short protein forms I205fs.
Identifiers: ClinVar variation 2087192 (VCV002087192.5), dbSNP rs2518614887, ClinGen allele CA2580099195.
Genomic context (GRCh38, chr22:20,989,642, plus strand): 5'-ACCACCAGACCCAAGGGGTCCTCACTGGTCTGTCCTAATACAGGTTGAATGACATGTGGA[CAA>C]TTGGCCTCCAGGACCGAGAGCTCACCTGCTGGGAGGAGGTGAGGGGCGTGGGGAGCCAGG-3'

ClinVar aggregate classification (germline): Pathogenic/Likely pathogenic. Review status: criteria provided, multiple submitters, no conflicts (2 of 4 stars). 2 submissions from 2 submitters: Pathogenic (1); Likely pathogenic (1). Last evaluated 2024-02-24.

Conditions:
LZTR1-related disorder. Also called: LZTR1-related disorders; LZTR1-related condition.

Submissions (2):

Labcorp Genetics (formerly Invitae), Labcorp
Classification: Pathogenic. Last evaluated: 2024-02-24. Review status: criteria provided, single submitter. Criteria: Invitae Variant Classification Sherloc (09022015). Collection method: clinical testing. Allele origin: germline.
Comment: This sequence change creates a premature translational stop signal (p.Ile205Trpfs*54) in the LZTR1 gene. It is expected to result in an absent or disrupted protein product. Loss-of-function variants in LZTR1 are known to be pathogenic (PMID: 24362817, 25335493, 25480913, 25795793, 29469822, 30368668, 30442762, 30442766, 30481304, 30859559). This variant is not present in population databases (gnomAD no frequency). This variant has not been reported in the literature in individuals affected with LZTR1-related conditions. ClinVar contains an entry for this variant (Variation ID: 2087192). Algorithms developed to predict the effect of sequence changes on RNA splicing suggest that this variant may disrupt the consensus splice site. For these reasons, this variant has been classified as Pathogenic.

Blueprint Genetics
Classification: Likely pathogenic for LZTR1-related disorders. Last evaluated: 2019-08-06. Review status: criteria provided, single submitter. Criteria: ACMG Guidelines, 2015. Collection method: clinical testing. Allele origin: germline. Affected: yes. Observed: 1 variant allele.

Literature cited by the submitters: PubMed 24362817 (cited by Labcorp Genetics (formerly Invitae), Labcorp); PubMed 25335493 (cited by Labcorp Genetics (formerly Invitae), Labcorp); PubMed 25480913 (cited by Labcorp Genetics (formerly Invitae), Labcorp); PubMed 25795793 (cited by Labcorp Genetics (formerly Invitae), Labcorp); PubMed 29469822 (cited by Labcorp Genetics (formerly Invitae), Labcorp); PubMed 30368668 (cited by Labcorp Genetics (formerly Invitae), Labcorp); PubMed 30442762 (cited by Labcorp Genetics (formerly Invitae), Labcorp); PubMed 30442766 (cited by Labcorp Genetics (formerly Invitae), Labcorp); PubMed 30481304 (cited by Labcorp Genetics (formerly Invitae), Labcorp); PubMed 30859559 (cited by Labcorp Genetics (formerly Invitae), Labcorp).